The following is an entry in ClinVar:

NM_053025.4(MYLK):c.611G>A (p.Ser204Asn)

Gene: MYLK (myosin light chain kinase; minus strand). Cytogenetic location: 3q21.1.
Variant type: single nucleotide variant.
Coding change: c.611G>A on transcript NM_053025.4 (MANE Select); coding-DNA position 611, G replaced by A.
Protein change: p.Ser204Asn; replaces serine 204 with asparagine.
Molecular consequence: missense variant.
Genome position (GRCh38, 1-based): chr3:123,737,521, C>T on the plus strand (G>A on the coding strand, the complement: MYLK is on the minus strand). VCF-style: chr3-123737521-C-T. GRCh37 (hg19) VCF-style: chr3-123456368-C-T.
Other names: c.83G>A, p.Ser28Asn (NM_001321309.2); c.611G>A, p.Ser204Asn (NM_053026.4, NM_053027.4, NM_053028.4); short protein forms S204N, S28N.
Identifiers: ClinVar variation 241765 (VCV000241765.10), dbSNP rs878855176, ClinGen allele CA10582127.

ClinVar aggregate classification (germline): Uncertain significance. Review status: criteria provided, multiple submitters, no conflicts (2 of 4 stars). 2 submissions from 2 submitters: Uncertain significance (2). Last evaluated 2024-03-28.

Conditions:
Aortic aneurysm, familial thoracic 7 (AAT7). Also called: AORTIC DISSECTION, FAMILIAL, WITH OR WITHOUT AORTIC ANEURYSM. Identifiers: MedGen C3151077, MONDO:0013418, OMIM 613780.

Allele frequency attached by ClinVar (database versions not stated): gnomAD exomes 0.00001.
gnomAD v4.1: 4 of 1,614,198 alleles (0.00025%); highest among the groups gnomAD compares: Non-Finnish European, 0.00034%; no homozygotes.

Submissions (2):

GeneDx
Classification: Uncertain significance. Last evaluated: 2024-03-28. Review status: criteria provided, single submitter. Criteria: GeneDx Variant Classification Process June 2021. Collection method: clinical testing. Allele origin: germline. Affected: yes.
Comment: Has not been previously published as pathogenic or benign to our knowledge; Not observed at significant frequency in large population cohorts (gnomAD); In silico analysis supports that this missense variant does not alter protein structure/function

Labcorp Genetics (formerly Invitae), Labcorp
Classification: Uncertain significance for Aortic aneurysm, familial thoracic 7. Last evaluated: 2022-12-08. Review status: criteria provided, single submitter. Criteria: Invitae Variant Classification Sherloc (09022015). Collection method: clinical testing. Allele origin: germline.
Comment: This sequence change replaces serine, which is neutral and polar, with asparagine, which is neutral and polar, at codon 204 of the MYLK protein (p.Ser204Asn). This variant is not present in population databases (gnomAD no frequency). This variant has not been reported in the literature in individuals affected with MYLK-related conditions. ClinVar contains an entry for this variant (Variation ID: 241765). Advanced modeling of protein sequence and biophysical properties (such as structural, functional, and spatial information, amino acid conservation, physicochemical variation, residue mobility, and thermodynamic stability) performed at Invitae indicates that this missense variant is not expected to disrupt MYLK protein function. In summary, the available evidence is currently insufficient to determine the role of this variant in disease. Therefore, it has been classified as a Variant of Uncertain Significance.